The following is an entry in ClinVar:

NM_016239.4(MYO15A):c.7213-3C>T

Gene: MYO15A (myosin XVA; plus strand). Cytogenetic location: 17p11.2.
Variant type: single nucleotide variant.
Coding change: c.7213-3C>T on transcript NM_016239.4 (MANE Select); 3 bases into the intron before coding-DNA position 7213, C replaced by T.
Molecular consequence: intron variant.
Genome position (GRCh38, 1-based): chr17:18,150,426, C>T. VCF-style: chr17-18150426-C-T. GRCh37 (hg19) VCF-style: chr17-18053740-C-T.
Identifiers: ClinVar variation 2042282 (VCV002042282.1), dbSNP rs769254107, ClinGen allele CA8424781.
Genomic context (GRCh38, chr17:18,150,426, plus strand): 5'-GTTGCCATGGAACCTTGGGAGTACAATAATGAGATGGTCACTTGAGCCACCCACTGCCCC[C>T]AGGACCTGGAGAAGCCAACAGCCATTGCCTACCGCATGAAAGGGGGAGGCCAGCCCGGTG-3'

ClinVar aggregate classification (germline): Uncertain significance (1 of 4 stars; one submission).

Allele frequency attached by ClinVar (database versions not stated): TOPMed below 0.00001; gnomAD 0.00001; gnomAD exomes 0.00001; ExAC 0.00002.
gnomAD v4.1: 12 of 1,613,772 alleles (0.00074%); highest among the groups gnomAD compares: Admixed American, 0.0017%; no homozygotes.

Submission:

Labcorp Genetics (formerly Invitae), Labcorp
Classification: Uncertain significance. Last evaluated: 2022-04-23. Review status: criteria provided, single submitter. Criteria: Invitae Variant Classification Sherloc (09022015). Collection method: clinical testing. Allele origin: germline.
Comment: This sequence change falls in intron 35 of the MYO15A gene. It does not directly change the encoded amino acid sequence of the MYO15A protein. It affects a nucleotide within the consensus splice site. This variant is present in population databases (rs769254107, gnomAD 0.01%). This variant has not been reported in the literature in individuals affected with MYO15A-related conditions. Variants that disrupt the consensus splice site are a relatively common cause of aberrant splicing (PMID: 17576681, 9536098). Algorithms developed to predict the effect of sequence changes on RNA splicing suggest that this variant is not likely to affect RNA splicing. In summary, the available evidence is currently insufficient to determine the role of this variant in disease. Therefore, it has been classified as a Variant of Uncertain Significance.

Literature cited by the submitters: PubMed 17576681; PubMed 9536098.